The following is an entry in ClinVar:

ClinVar aggregate classification (germline): Likely benign. Review status: criteria provided, multiple submitters, no conflicts (2 of 4 stars). 2 submissions from 2 submitters: Likely benign (2). Last evaluated 2024-11-21.

Conditions:
COL13A1-related disorder. Also called: COL13A1-related condition.

Allele frequency attached by ClinVar (database versions not stated): gnomAD 0.00001; gnomAD exomes 0.00001; ExAC 0.00002; TOPMed 0.00002.
gnomAD v4.1: 53 of 1,611,888 alleles (0.0033%); highest among the groups gnomAD compares: Non-Finnish European, 0.0042%; no homozygotes.

Submissions (2):

PreventionGenetics, part of Exact Sciences
Classification: Likely benign for COL13A1-related condition. Last evaluated: 2024-11-21. Review status: criteria provided, single submitter. Criteria: ACMG Guidelines, 2015. Collection method: clinical testing. Allele origin: germline.
Comment: This variant is classified as likely benign based on ACMG/AMP sequence variant interpretation guidelines (Richards et al. 2015 PMID: 25741868, with internal and published modifications).

Labcorp Genetics (formerly Invitae), Labcorp
Classification: Likely benign. Last evaluated: 2023-04-29. Review status: criteria provided, single submitter. Criteria: Invitae Variant Classification Sherloc (09022015). Collection method: clinical testing. Allele origin: germline.

NM_001368882.1(COL13A1):c.162G>T (p.Ser54=)

Gene: COL13A1 (collagen type XIII alpha 1 chain; plus strand). Cytogenetic location: 10q22.1.
Variant type: single nucleotide variant.
Coding change: c.162G>T on transcript NM_001368882.1 (MANE Select); coding-DNA position 162, G replaced by T.
Protein change: p.Ser54=; no amino-acid change (serine 54 retained).
Molecular consequence: synonymous variant. On other transcripts: 5 prime UTR variant (1).
Genome position (GRCh38, 1-based): chr10:69,802,585, G>T. VCF-style: chr10-69802585-G-T. GRCh37 (hg19) VCF-style: chr10-71562341-G-T.
Other names: c.162G>T, p.Ser54= (NM_001130103.2, NM_001320951.2, NM_001368883.1 and 11 more transcripts); c.-492G>T (NM_001368886.1); c.162G>T (NM_001130103.1).
Identifiers: ClinVar variation 1549565 (VCV001549565.9), dbSNP rs771411908, ClinGen allele CA5533989.
Genomic context (GRCh38, chr10:69,802,585, plus strand): 5'-GCGCGGCGCACGGCTGCCGAGTCCAGGGTCGTGCGGGCTGCTGACGCTGGCCCTCTGCTC[G>T]CTGGCACTCAGCCTGCTCGCCCACTTTCGGACGGCCGAGCTGCAGGCCCGGGTGCTGCGC-3'
Protein context (NP_001355811.1, residues 44-64): SCGLLTLALC[Ser54=]LALSLLAHFR